The following is an entry in ClinVar:

ClinVar aggregate classification (germline): Uncertain significance. Review status: criteria provided, multiple submitters, no conflicts (2 of 4 stars). 7 submissions from 7 submitters: Uncertain significance (7). Last evaluated 2025-07-27.

Conditions:
Ataxia-telangiectasia syndrome (AT). Also called: Ataxia-telangiectasia, complementation group E; Ataxia-telangiectasia, complementation group D; AT, COMPLEMENTATION GROUP C; ATAXIA-TELANGIECTASIA, FRESNO VARIANT; ATAXIA-TELANGIECTASIA, COMPLEMENTATION GROUP A; Ataxia-telangiectasia. Identifiers: Orphanet 100, MedGen C0004135, MONDO:0008840, OMIM 208900.
Breast-ovarian cancer, familial, susceptibility to, 1 (BROVCA1). Also called: BRCA1 Hereditary Breast and Ovarian Cancer; OVARIAN CANCER, SUSCEPTIBILITY TO. Identifiers: Orphanet 145, MedGen C2676676, MONDO:0011450, OMIM 604370. Disease mechanism: loss of function.
Familial cancer of breast. Also called: BREAST CANCER, FAMILIAL; hereditary breast carcinoma; Hereditary breast cancer. Identifiers: Orphanet 227535, MedGen C0346153, MONDO:0016419, OMIM 114480. Disease mechanism: loss of function.
Hereditary cancer-predisposing syndrome. Also called: Tumor predisposition; Hereditary Cancer Syndrome; Neoplastic Syndromes, Hereditary; Hereditary neoplastic syndrome. Identifiers: Orphanet 140162, MedGen C0027672, MeSH D009386, MONDO:0015356.

Allele frequency attached by ClinVar (database versions not stated): gnomAD 0.00001; TOPMed 0.00001.

Submissions (7):

Labcorp Genetics (formerly Invitae), Labcorp
Classification: Uncertain significance for Ataxia-telangiectasia syndrome. Last evaluated: 2025-07-27. Review status: criteria provided, single submitter. Criteria: Invitae Variant Classification Sherloc (09022015). Collection method: clinical testing. Allele origin: germline.
Comment: This sequence change replaces leucine, which is neutral and non-polar, with phenylalanine, which is neutral and non-polar, at codon 263 of the ATM protein (p.Leu263Phe). This variant is not present in population databases (gnomAD no frequency). This variant has not been reported in the literature in individuals affected with ATM-related conditions. ClinVar contains an entry for this variant (Variation ID: 232065). Invitae Evidence Modeling of protein sequence and biophysical properties (such as structural, functional, and spatial information, amino acid conservation, physicochemical variation, residue mobility, and thermodynamic stability) indicates that this missense variant is not expected to disrupt ATM protein function with a negative predictive value of 95%. In summary, the available evidence is currently insufficient to determine the role of this variant in disease. Therefore, it has been classified as a Variant of Uncertain Significance.

Color Diagnostics, LLC DBA Color Health
Classification: Uncertain significance for Hereditary cancer-predisposing syndrome. Last evaluated: 2025-05-06. Review status: criteria provided, single submitter. Criteria: ACMG Guidelines, 2015. Collection method: clinical testing. Allele origin: germline.
Comment: This missense variant replaces leucine with phenylalanine at codon 263 of the ATM protein. Computational prediction suggests that this variant may not impact protein structure and function. To our knowledge, functional studies have not been reported for this variant. This variant has been reported in an individual referred for genetic testing based on a personal and/or family history of cancer (PMID: 31159747). This variant has not been identified in the general population by the Genome Aggregation Database (gnomAD). The available evidence is insufficient to determine the role of this variant in disease conclusively. Therefore, this variant is classified as a Variant of Uncertain Significance.

GeneDx
Classification: Uncertain significance. Last evaluated: 2024-07-14. Review status: criteria provided, single submitter. Criteria: GeneDx Variant Classification Process June 2021. Collection method: clinical testing. Allele origin: germline. Affected: yes.
Comment: Observed in an individual undergoing panel testing for hereditary cancer (PMID: 31159747); In silico analysis supports that this missense variant has a deleterious effect on protein structure/function; Not observed at significant frequency in large population cohorts (gnomAD); This variant is associated with the following publications: (PMID: 31159747)

Institute of Immunology and Genetics Kaiserslautern
Classification: Uncertain significance for Breast-ovarian cancer, familial, susceptibility to, 1. Last evaluated: 2024-07-09. Review status: criteria provided, single submitter. Criteria: ACMG Guidelines, 2015. Collection method: clinical testing. Allele origin: germline. Affected: yes.
Comment: ACMG Criteria: PM2_p, BP5; Variant was found in heterozygous state

Baylor Genetics
Classification: Uncertain significance for Familial cancer of breast. Last evaluated: 2024-02-28. Review status: criteria provided, single submitter. Criteria: ACMG Guidelines, 2015. Collection method: clinical testing. Allele origin: unknown.

Ambry Genetics
Classification: Uncertain significance for Hereditary cancer-predisposing syndrome. Last evaluated: 2023-12-11. Review status: criteria provided, single submitter. Criteria: Ambry Variant Classification Scheme 2023. Collection method: clinical testing. Allele origin: germline.
Comment: The p.L263F variant (also known as c.787C>T), located in coding exon 6 of the ATM gene, results from a C to T substitution at nucleotide position 787. The leucine at codon 263 is replaced by phenylalanine, an amino acid with highly similar properties. This alteration has been reported in 1/1197 individuals from Greece, Romania, and Turkey undergoing evaluation for inherited cancer predisposition (Tsaousis GN et al. BMC Cancer, 2019 Jun;19:535). This amino acid position is well conserved in available vertebrate species. In addition, the in silico prediction for this alteration is inconclusive. Since supporting evidence is limited at this time, the clinical significance of this alteration remains unclear.

GeneKor MSA
Classification: Uncertain significance for Hereditary cancer-predisposing syndrome. Last evaluated: 2018-08-01. Review status: criteria provided, single submitter. Criteria: ACMG Guidelines, 2015. Collection method: clinical testing. Allele origin: germline. Affected: yes.

Literature cited by the submitters: PubMed 31159747 (cited by Color Diagnostics, LLC DBA Color Health and Ambry Genetics).

NM_000051.4(ATM):c.787C>T (p.Leu263Phe)

Gene: ATM (ATM serine/threonine kinase; plus strand). Cytogenetic location: 11q22.3.
Variant type: single nucleotide variant.
Coding change: c.787C>T on transcript NM_000051.4 (MANE Select); coding-DNA position 787, C replaced by T.
Protein change: p.Leu263Phe; replaces leucine 263 with phenylalanine.
Molecular consequence: missense variant.
Genome position (GRCh38, 1-based): chr11:108,244,912, C>T. VCF-style: chr11-108244912-C-T. GRCh37 (hg19) VCF-style: chr11-108115639-C-T.
Other names: c.787C>T, p.Leu263Phe (NM_001351834.2); short protein forms L263F.
Identifiers: ClinVar variation 232065 (VCV000232065.18), dbSNP rs876659531, ClinGen allele CA10578978.